The following is an entry in ClinVar:

ClinVar aggregate classification (germline): Uncertain significance (1 of 4 stars; one submission).

Conditions:
Hereditary sensory neuropathy-deafness-dementia syndrome. Also called: Hereditary sensory neuropathy type IE; HSN IE; NEUROPATHY, HEREDITARY SENSORY, WITH HEARING LOSS AND DEMENTIA; Hereditary Sensory and Autonomic Neuropathy Type 1E (HSAN1E). Identifiers: Orphanet 456318, MedGen C3279885, MONDO:0013584, OMIM 614116.

gnomAD v4.1: 11 of 1,612,668 alleles (0.00068%); highest among the groups gnomAD compares: African/African-American, 0.0013%; no homozygotes.

Submission:

Labcorp Genetics (formerly Invitae), Labcorp
Classification: Uncertain significance for Hereditary sensory neuropathy-deafness-dementia syndrome. Last evaluated: 2025-04-19. Review status: criteria provided, single submitter. Criteria: Invitae Variant Classification Sherloc (09022015). Collection method: clinical testing. Allele origin: germline.
Comment: This sequence change replaces glycine, which is neutral and non-polar, with alanine, which is neutral and non-polar, at codon 145 of the DNMT1 protein (p.Gly145Ala). This variant is not present in population databases (gnomAD no frequency). This variant has not been reported in the literature in individuals affected with DNMT1-related conditions. An algorithm developed to predict the effect of missense changes on protein structure and function outputs the following: PolyPhen-2: "Benign". The alanine amino acid residue is found in multiple mammalian species, which suggests that this missense change does not adversely affect protein function. In summary, the available evidence is currently insufficient to determine the role of this variant in disease. Therefore, it has been classified as a Variant of Uncertain Significance.

NM_001130823.3(DNMT1):c.434G>C (p.Gly145Ala)

Gene: DNMT1 (DNA methyltransferase 1; minus strand). Cytogenetic location: 19p13.2.
Variant type: single nucleotide variant.
Coding change: c.434G>C on transcript NM_001130823.3 (MANE Select); coding-DNA position 434, G replaced by C.
Protein change: p.Gly145Ala; replaces glycine 145 with alanine.
Molecular consequence: missense variant.
Genome position (GRCh38, 1-based): chr19:10,180,361, C>G on the plus strand (G>C on the coding strand, the complement: DNMT1 is on the minus strand). VCF-style: chr19-10180361-C-G. GRCh37 (hg19) VCF-style: chr19-10291037-C-G.
Other names: c.434G>C, p.Gly145Ala (NM_001318730.2, NM_001379.4); c.71G>C, p.Gly24Ala (NM_001318731.2); short protein forms G145A, G24A.
Identifiers: ClinVar variation 4810948 (VCV004810948.1).